The following is an entry in ClinVar:

ClinVar aggregate classification (germline): Uncertain significance (1 of 4 stars; one submission).

Submission:

Labcorp Genetics (formerly Invitae), Labcorp
Classification: Uncertain significance. Last evaluated: 2022-11-25. Review status: criteria provided, single submitter. Criteria: Invitae Variant Classification Sherloc (09022015). Collection method: clinical testing. Allele origin: germline.
Comment: In summary, the available evidence is currently insufficient to determine the role of this variant in disease. Therefore, it has been classified as a Variant of Uncertain Significance. Advanced modeling of protein sequence and biophysical properties (such as structural, functional, and spatial information, amino acid conservation, physicochemical variation, residue mobility, and thermodynamic stability) performed at Invitae indicates that this missense variant is not expected to disrupt SOX11 protein function. This variant has not been reported in the literature in individuals affected with SOX11-related conditions. This variant is present in population databases (rs769259145, gnomAD 0.006%). This sequence change replaces aspartic acid, which is acidic and polar, with glutamic acid, which is acidic and polar, at codon 244 of the SOX11 protein (p.Asp244Glu).

NM_003108.4(SOX11):c.732C>A (p.Asp244Glu)

Gene: SOX11 (SRY-box transcription factor 11; plus strand). Cytogenetic location: 2p25.2.
Variant type: single nucleotide variant.
Coding change: c.732C>A on transcript NM_003108.4 (MANE Select); coding-DNA position 732, C replaced by A.
Protein change: p.Asp244Glu; replaces aspartic acid 244 with glutamic acid.
Molecular consequence: missense variant.
Genome position (GRCh38, 1-based): chr2:5,693,453, C>A. VCF-style: chr2-5693453-C-A. GRCh37 (hg19) VCF-style: chr2-5833585-C-A.
Other names: short protein forms D244E.
Identifiers: ClinVar variation 1982873 (VCV001982873.4), dbSNP rs769259145, ClinGen allele CA1517909.
Genomic context (GRCh38, chr2:5,693,453, plus strand): 5'-GGACGACGACGACGACGACGACGACGACGAGCTGCAGCTGCAGATCAAACAGGAGCCGGA[C>A]GAGGAGGACGAGGAACCACCGCACCAGCAGCTCCTGCAGCCGCCGGGGCAGCAGCCGTCG-3'
Protein context (NP_003099.1, residues 234-254): ELQLQIKQEP[Asp244Glu]EEDEEPPHQQ